The following is an entry in ClinVar:

NM_002529.4(NTRK1):c.2025_2026del (p.Tyr676fs)

Gene: NTRK1 (neurotrophic receptor tyrosine kinase 1; plus strand). Cytogenetic location: 1q23.1.
Variant type: Deletion.
Coding change: c.2025_2026del on transcript NM_002529.4 (MANE Select); coding-DNA positions 2025 to 2026, 2 bases deleted (CT; older notation c.2025_2026delCT).
Protein change: p.Tyr676fs; shifts the reading frame from tyrosine 676.
Molecular consequence: frameshift variant.
Genome position (GRCh38, 1-based): chr1:156,879,341-156,879,342, CT deleted; deleting any 2 consecutive bases within chr1:156,879,340-156,879,342 gives the same sequence; the c. name uses the placement nearest the transcript's 3' end. VCF-style (leftmost placement, unchanged base first): chr1-156879339-ATC-A. GRCh37 (hg19) VCF-style: chr1-156849131-ATC-A.
Other names: c.1917_1918del, p.Tyr640fs (NM_001007792.1); c.2007_2008del, p.Tyr670fs (NM_001012331.2); short protein forms Y640fs, Y670fs, Y676fs.
Identifiers: ClinVar variation 1070814 (VCV001070814.7), dbSNP rs2102925213, ClinGen allele CA2499214236.

ClinVar aggregate classification (germline): Pathogenic (1 of 4 stars; one submission).

Conditions:
Hereditary insensitivity to pain with anhidrosis (CIPA). Also called: hereditary sensory and autonomic neuropathy type 4; NEUROPATHY, CONGENITAL SENSORY, WITH ANHIDROSIS; NTRK1 Congenital Insensitivity to Pain with Anhidrosis; INSENSITIVITY TO PAIN, CONGENITAL, WITH ANHIDROSIS; HSAN Type IV; FAMILIAL DYSAUTONOMIA, TYPE II. Identifiers: Orphanet 642, MedGen C0020074, MONDO:0009746, OMIM 256800.

Submission:

Labcorp Genetics (formerly Invitae), Labcorp
Classification: Pathogenic for Hereditary insensitivity to pain with anhidrosis. Last evaluated: 2021-07-21. Review status: criteria provided, single submitter. Criteria: Invitae Variant Classification Sherloc (09022015). Collection method: clinical testing. Allele origin: germline.
Comment: For these reasons, this variant has been classified as Pathogenic. ClinVar contains an entry for this variant (Variation ID: 1070814). This variant has not been reported in the literature in individuals affected with NTRK1-related conditions. This variant is not present in population databases (ExAC no frequency). This sequence change creates a premature translational stop signal (p.Tyr670Glnfs*27) in the NTRK1 gene. It is expected to result in an absent or disrupted protein product. Loss-of-function variants in NTRK1 are known to be pathogenic (PMID: 10982191).

Literature cited by the submitters: PubMed 10982191.